The following is an entry in ClinVar:

NM_004738.5(VAPB):c.667C>T (p.Arg223Trp)

Gene: VAPB (VAMP associated protein B and C; plus strand). Cytogenetic location: 20q13.32.
Variant type: single nucleotide variant.
Coding change: c.667C>T on transcript NM_004738.5 (MANE Select); coding-DNA position 667, C replaced by T.
Protein change: p.Arg223Trp; replaces arginine 223 with tryptophan.
Molecular consequence: missense variant. On other transcripts: 3 prime UTR variant (1), non-coding transcript variant (1).
Genome position (GRCh38, 1-based): chr20:58,444,170, C>T. VCF-style: chr20-58444170-C-T. GRCh37 (hg19) VCF-style: chr20-57019226-C-T.
Other names: c.*5C>T (NM_001195677.2); short protein forms R223W.
Identifiers: ClinVar variation 448853 (VCV000448853.20), dbSNP rs144718603, ClinGen allele CA9924325.

ClinVar aggregate classification (germline): Conflicting classifications of pathogenicity. Review status: criteria provided, conflicting classifications (1 of 4 stars). 6 submissions from 5 submitters: Uncertain significance (4); Likely benign (2). Last evaluated 2025-08-22.

Conditions:
Inborn genetic diseases. Identifiers: MedGen C0950123, MeSH D030342.
Adult-onset proximal spinal muscular atrophy, autosomal dominant. Also called: Spinal muscular atrophy, late-onset, finkel type; FINKEL LATE-ADULT TYPE SMA. Identifiers: Orphanet 209335, MedGen C1854058, MONDO:0008453, OMIM 182980.
Amyotrophic lateral sclerosis type 8 (ALS8). Identifiers: Orphanet 803, MedGen C1837728, MONDO:0012077, OMIM 608627.

Allele frequency attached by ClinVar (database versions not stated): ExAC 0.00003; TOPMed 0.00005; ESP Exome Variant Server 0.00008; gnomAD 0.00009; 1000 Genomes Project 30x 0.00016; 1000 Genomes Project 0.00020.
gnomAD v4.1: 108 of 1,614,158 alleles (0.0067%); highest among the groups gnomAD compares: Non-Finnish European, 0.0082%; no homozygotes.

Submissions (6):

Labcorp Genetics (formerly Invitae), Labcorp
Classification: Uncertain significance for Adult-onset proximal spinal muscular atrophy, autosomal dominant; Amyotrophic lateral sclerosis type 8. Last evaluated: 2025-08-22. Review status: criteria provided, single submitter. Criteria: Invitae Variant Classification Sherloc (09022015). Collection method: clinical testing. Allele origin: germline.
Comment: This sequence change replaces arginine, which is basic and polar, with tryptophan, which is neutral and slightly polar, at codon 223 of the VAPB protein (p.Arg223Trp). This variant is present in population databases (rs144718603, gnomAD 0.01%). This variant has not been reported in the literature in individuals affected with VAPB-related conditions. ClinVar contains an entry for this variant (Variation ID: 448853). Invitae Evidence Modeling of protein sequence and biophysical properties (such as structural, functional, and spatial information, amino acid conservation, physicochemical variation, residue mobility, and thermodynamic stability) has been performed for this missense variant. However, the output from this modeling did not meet the statistical confidence thresholds required to predict the impact of this variant on VAPB protein function. In summary, the available evidence is currently insufficient to determine the role of this variant in disease. Therefore, it has been classified as a Variant of Uncertain Significance.

Laboratory of Genetics, Children's Clinical University Hospital Latvia
Classification: Likely benign. Last evaluated: 2025-02-16. Review status: criteria provided, single submitter. Criteria: ACMG Guidelines, 2015. Collection method: clinical testing. Allele origin: germline. Affected: yes.

Ambry Genetics
Classification: Likely benign for Inborn genetic diseases. Last evaluated: 2021-02-02. Review status: criteria provided, single submitter. Criteria: Ambry Variant Classification Scheme 2023. Collection method: clinical testing. Allele origin: germline.

Illumina Laboratory Services, Illumina
Classification: Uncertain significance for Amyotrophic lateral sclerosis type 8. Last evaluated: 2017-04-27. Review status: criteria provided, single submitter. Criteria: ICSL Variant Classification Criteria 13 December 2019. Collection method: clinical testing. Allele origin: germline.
Comment: This variant was observed as part of a predisposition screen in an ostensibly healthy population. A literature search was performed for the gene, cDNA change, and amino acid change (where applicable). Publications were found based on this search. However, the evidence from the literature, in combination with allele frequency data from public databases where available, was not sufficient to rule this variant in or out of causing disease. Therefore, this variant is classified as a variant of unknown significance.

Illumina Laboratory Services, Illumina
Classification: Uncertain significance for Adult-onset proximal spinal muscular atrophy, autosomal dominant. Last evaluated: 2017-04-27. Review status: criteria provided, single submitter. Criteria: ICSL Variant Classification Criteria 13 December 2019. Collection method: clinical testing. Allele origin: germline.
Comment: the same text as in the submission from Illumina Laboratory Services, Illumina above.

Athena Diagnostics
Classification: Uncertain significance. Last evaluated: 2016-12-09. Review status: criteria provided, single submitter. Criteria: Athena Diagnostics Criteria. Collection method: clinical testing. Allele origin: germline.

Literature cited by the submitters: PubMed 24681403 (cited by Illumina Laboratory Services, Illumina and Athena Diagnostics).